The following is an entry in ClinVar:

NM_015346.4(ZFYVE26):c.1955_1956del (p.Glu652fs)

Gene: ZFYVE26 (zinc finger FYVE-type containing 26; minus strand). Cytogenetic location: 14q24.1.
Variant type: Microsatellite.
Coding change: c.1955_1956del on transcript NM_015346.4 (MANE Select); coding-DNA positions 1955 to 1956, 2 bases deleted (AG; older notation c.1955_1956delAG).
Protein change: p.Glu652fs; shifts the reading frame from glutamic acid 652.
Molecular consequence: frameshift variant.
Genome position (GRCh38, 1-based): chr14:67,798,306-67,798,307, CT deleted on the plus strand (AG on the coding strand, the reverse complement: ZFYVE26 is on the minus strand); deleting any 2 consecutive bases within chr14:67,798,306-67,798,309 gives the same sequence; the c. name uses the placement nearest the transcript's 3' end. VCF-style (leftmost placement, unchanged base first): chr14-67798305-GCT-G. GRCh37 (hg19) VCF-style: chr14-68265022-GCT-G.
Other names: short protein forms E652fs.
Identifiers: ClinVar variation 1994511 (VCV001994511.4), dbSNP rs2040001634, ClinGen allele CA2144034264.
Genomic context (GRCh38, chr14:67,798,305, plus strand): 5'-TAGTAAAGTGTTTTAAGTCCAAAAAGCTGTGCCTATGAGGCCCTGGGTAACTGTCTTTTG[GCT>G]CTGCCTTCACATGGCTTGGCATTGTATAAGCAAGGGTCTTTGGGACTCCCAGGGAACCCC-3'

ClinVar aggregate classification (germline): Pathogenic (1 of 4 stars; one submission).

Conditions:
Spastic paraplegia. Identifiers: MedGen C0037772, HP:0001258.

Submission:

Labcorp Genetics (formerly Invitae), Labcorp
Classification: Pathogenic for Spastic paraplegia. Last evaluated: 2022-10-21. Review status: criteria provided, single submitter. Criteria: Invitae Variant Classification Sherloc (09022015). Collection method: clinical testing. Allele origin: germline.
Comment: This variant is not present in population databases (gnomAD no frequency). For these reasons, this variant has been classified as Pathogenic. This variant has not been reported in the literature in individuals affected with ZFYVE26-related conditions. This sequence change creates a premature translational stop signal (p.Glu652Alafs*10) in the ZFYVE26 gene. It is expected to result in an absent or disrupted protein product. Loss-of-function variants in ZFYVE26 are known to be pathogenic (PMID: 18394578, 19805727).

Literature cited by the submitters: PubMed 18394578; PubMed 19805727.